The following is an entry in ClinVar:

ClinVar aggregate classification (germline): Likely pathogenic (1 of 4 stars; one submission).

Conditions:
Cardiovascular phenotype. Identifiers: MedGen CN230736.

Submission:

Ambry Genetics
Classification: Likely pathogenic for Cardiovascular phenotype. Last evaluated: 2025-10-29. Review status: criteria provided, single submitter. Criteria: Ambry Variant Classification Scheme 2023. Collection method: clinical testing. Allele origin: germline.
Comment: The p.R1612* variant (also known as c.4834A>T), located in coding exon 26 of the TTN gene, results from an A to T substitution at nucleotide position 4834. This changes the amino acid from an arginine to a stop codon within coding exon 26. This exon is located in the near Z-disk/I-band region of the N2-B isoform of the titin protein and is constitutively expressed in TTN transcripts (percent spliced in or PSI 100%). This variant is expected to result in loss of function by premature protein truncation or nonsense-mediated mRNA decay. While truncating variants in TTN are present in 1-3% of the general population, truncating variants in the A-band are the most common cause of dilated cardiomyopathy (Herman DS et al. N. Engl. J. Med., 2012 Feb;366:619-28; Roberts AM et al. Sci Transl Med, 2015 Jan;7:270ra6). TTN truncating variants encoded in constitutive exons (PSI >90%) have been found to be significantly associated with DCM regardless of their position in titin (Schafer S et al. Nat. Genet., 2017 01;49:46-53; Akhtar MM et al. Circ Heart Fail, 2020 Oct;13:e006832; Massier M et al. Clin Genet, 2025 Jan). This variant is considered to be rare based on population cohorts in the Genome Aggregation Database (gnomAD). Based on the majority of available evidence to date, this variant is likely to be pathogenic.

NM_001267550.2(TTN):c.4972A>T (p.Arg1658Ter)

Gene: TTN (titin; minus strand). Cytogenetic location: 2q31.2.
Variant type: single nucleotide variant.
Coding change: c.4972A>T on transcript NM_001267550.2 (MANE Select); coding-DNA position 4972, A replaced by T.
Protein change: p.Arg1658Ter; replaces arginine 1658 with a stop codon.
Molecular consequence: nonsense.
Genome position (GRCh38, 1-based): chr2:178,776,892, T>A on the plus strand (A>T on the coding strand, the complement: TTN is on the minus strand). VCF-style: chr2-178776892-T-A. GRCh37 (hg19) VCF-style: chr2-179641619-T-A.
Other names: c.4972A>T, p.Arg1658Ter (NM_001256850.1, NM_133378.4, NM_133379.5); c.4834A>T, p.Arg1612Ter (NM_003319.4, NM_133432.3, NM_133437.4); short protein forms R1658*, R1612*.
Identifiers: ClinVar variation 4615325 (VCV004615325.1).